The following is an entry in ClinVar:

NM_007194.4(CHEK2):c.908T>G (p.Leu303Trp)

Gene: CHEK2 (checkpoint kinase 2; minus strand). Cytogenetic location: 22q12.1.
Variant type: single nucleotide variant.
Coding change: c.908T>G on transcript NM_007194.4 (MANE Select); coding-DNA position 908, T replaced by G.
Protein change: p.Leu303Trp; replaces leucine 303 with tryptophan.
Molecular consequence: missense variant.
Genome position (GRCh38, 1-based): chr22:28,703,505, A>C on the plus strand (T>G on the coding strand, the complement: CHEK2 is on the minus strand). VCF-style: chr22-28703505-A-C. GRCh37 (hg19) VCF-style: chr22-29099493-A-C.
Other names: c.1037T>G, p.Leu346Trp (NM_001005735.3); c.245T>G, p.Leu82Trp (NM_001257387.3); c.707T>G, p.Leu236Trp (NM_001349956.3); c.908T>G, p.Leu303Trp (NM_145862.3); short protein forms L236W, L303W, L346W, L82W.
Identifiers: ClinVar variation 1007911 (VCV001007911.11), dbSNP rs1233699096, ClinGen allele CA411100878.

ClinVar aggregate classification (germline): Uncertain significance. Review status: criteria provided, multiple submitters, no conflicts (2 of 4 stars). 2 submissions from 2 submitters: Uncertain significance (2). Last evaluated 2024-10-31.

Conditions:
Familial cancer of breast. Also called: BREAST CANCER, FAMILIAL; Hereditary breast cancer; hereditary breast carcinoma. Identifiers: Orphanet 227535, MedGen C0346153, MONDO:0016419, OMIM 114480. Disease mechanism: loss of function.
Hereditary cancer-predisposing syndrome. Also called: Tumor predisposition; Hereditary neoplastic syndrome; Neoplastic Syndromes, Hereditary; Hereditary Cancer Syndrome. Identifiers: Orphanet 140162, MedGen C0027672, MeSH D009386, MONDO:0015356.

Submissions (2):

Ambry Genetics
Classification: Uncertain significance for Hereditary cancer-predisposing syndrome. Last evaluated: 2024-10-31. Review status: criteria provided, single submitter. Criteria: Ambry Variant Classification Scheme 2023. Collection method: clinical testing. Allele origin: germline.
Comment: The c.908T>G variant (also known as p.L303W), located in coding exon 7 of the CHEK2 gene, results from a T to G substitution at nucleotide position 908. The amino acid change results in leucine to tryptophan at codon 303, an amino acid with similar properties. However, this change occurs in the last base pair of coding exon 7, which makes it likely to have some effect on normal mRNA splicing. This nucleotide position is highly conserved in available vertebrate species. This amino acid position is highly conserved in available vertebrate species. In silico splice site analysis predicts that this alteration will not have any significant effect on splicing. In addition, the in silico prediction for this alteration is inconclusive. Based on the available evidence, the clinical significance of this variant remains unclear.

Labcorp Genetics (formerly Invitae), Labcorp
Classification: Uncertain significance for Familial cancer of breast. Last evaluated: 2020-01-26. Review status: criteria provided, single submitter. Criteria: Invitae Variant Classification Sherloc (09022015). Collection method: clinical testing. Allele origin: germline.
Comment: This sequence change replaces leucine with tryptophan at codon 303 of the CHEK2 protein (p.Leu303Trp). The leucine residue is highly conserved and there is a small physicochemical difference between leucine and tryptophan. This variant is not present in population databases (ExAC no frequency). This variant has not been reported in the literature in individuals with CHEK2-related conditions. Algorithms developed to predict the effect of missense changes on protein structure and function are either unavailable or do not agree on the potential impact of this missense change (SIFT: "Tolerated"; PolyPhen-2: "Probably Damaging"; Align-GVGD: "Class C0"). Algorithms developed to predict the effect of sequence changes on RNA splicing suggest that this variant may create or strengthen a splice site, but this prediction has not been confirmed by published transcriptional studies. In summary, the available evidence is currently insufficient to determine the role of this variant in disease. Therefore, it has been classified as a Variant of Uncertain Significance.